The following is an entry in ClinVar:

NM_000059.4(BRCA2):c.7448G>A (p.Ser2483Asn)

Gene: BRCA2 (BRCA2 DNA repair associated; plus strand). Cytogenetic location: 13q13.1.
Variant type: single nucleotide variant.
Coding change: c.7448G>A on transcript NM_000059.4 (MANE Select); coding-DNA position 7448, G replaced by A.
Protein change: p.Ser2483Asn; replaces serine 2483 with asparagine.
Molecular consequence: missense variant.
Genome position (GRCh38, 1-based): chr13:32,356,440, G>A. VCF-style: chr13-32356440-G-A. GRCh37 (hg19) VCF-style: chr13-32930577-G-A.
Other names: p.S2483N:AGT>AAT; 7676G>A; short protein forms S2483N.
Identifiers: ClinVar variation 52335 (VCV000052335.72), dbSNP rs80358967, ClinGen allele CA025094.

ClinVar aggregate classification (germline): Conflicting classifications of pathogenicity. Review status: criteria provided, conflicting classifications (1 of 4 stars). 15 submissions from 15 submitters: Uncertain significance (2); Benign (2); Likely benign (6). 5 of the submissions do not count toward it. Last evaluated 2026-01-06.

Conditions:
BRCA2-related cancer predisposition. Identifiers: MedGen CN377758, MONDO:0700269.
Hereditary cancer-predisposing syndrome. Also called: Hereditary Cancer Syndrome; Tumor predisposition; Neoplastic Syndromes, Hereditary; Hereditary neoplastic syndrome. Identifiers: Orphanet 140162, MedGen C0027672, MeSH D009386, MONDO:0015356.
Hereditary breast ovarian cancer syndrome. Also called: Breast and ovarian cancer; BRCA1- and BRCA2-Associated Hereditary Breast and Ovarian Cancer; Hereditary breast and ovarian cancer; Hereditary breast and ovarian cancer syndrome (HBOC); Hereditary breast and ovarian cancer syndrome; Hereditary breast and/or ovarian cancer syndrome. Identifiers: Orphanet 145, MedGen C0677776, MeSH D061325, MONDO:0003582. Disease mechanism: loss of function.
Breast-ovarian cancer, familial, susceptibility to, 2 (BROVCA2). Also called: BRCA2 Hereditary Breast and Ovarian Cancer. Identifiers: Orphanet 145, MedGen C2675520, MONDO:0012933, OMIM 612555. Disease mechanism: loss of function.

Allele frequency attached by ClinVar (database versions not stated): ESP Exome Variant Server 0.00008; gnomAD 0.00001; ExAC 0.00002; gnomAD exomes 0.00002; TOPMed 0.00003.
gnomAD v4.1: 32 of 1,613,254 alleles (0.002%); highest among the groups gnomAD compares: Non-Finnish European, 0.0025%; no homozygotes.

Submissions (15):

Labcorp Genetics (formerly Invitae), Labcorp
Classification: Likely benign for Hereditary breast ovarian cancer syndrome. Last evaluated: 2026-01-06. Review status: criteria provided, single submitter. Criteria: Invitae Variant Classification Sherloc (09022015). Collection method: clinical testing. Allele origin: germline.

ARUP Laboratories, Molecular Genetics and Genomics, ARUP Laboratories
Classification: Likely benign. Last evaluated: 2025-04-07. Review status: criteria provided, single submitter. Criteria: ARUP Molecular Germline Variant Investigation Process 2024. Collection method: clinical testing. Allele origin: germline.

All of Us Research Program, National Institutes of Health
Classification: Likely benign for BRCA2-related cancer predisposition. Last evaluated: 2024-09-23. Review status: criteria provided, single submitter. Criteria: ACMG Guidelines, 2015. Collection method: clinical testing. Allele origin: germline. Inheritance: Autosomal dominant inheritance. Observed: 14 variant alleles, 14 heterozygotes.
Comment: This study involves interpretation of variants in research participants for the purpose of population health screening. Participant phenotype was not available at the time of variant classification. Additional details can be found in publication PMID: 35346344, PMCID: PMC8962531

Women's Health and Genetics/Laboratory Corporation of America, LabCorp
Classification: Benign. Last evaluated: 2021-10-03. Review status: criteria provided, single submitter. Criteria: LabCorp Variant Classification Summary - May 2015. Collection method: clinical testing. Allele origin: germline.
Comment: Variant summary: BRCA2 c.7448G>A (p.Ser2483Asn) results in a conservative amino acid change located in the Breast cancer type 2 susceptibility protein, helical domain (IPR015252) of the encoded protein sequence. Five of five in-silico tools predict a benign effect of the variant on protein function. The variant allele was found at a frequency of 1.6e-05 in 251306 control chromosomes. The available data on variant occurrences in the general population are insufficient to allow any conclusion about variant significance. c.7448G>A has been reported in the literature in individuals affected with breast cancer and also in individuals at risk of hereditary breast cancer (example, Spearman_2008, Carr_2011, Lu_2012, Fernandes_2016, Vendrell_2018) without strong evidence of causality. These reports therefore, do not provide unequivocal conclusions about association of the variant with Hereditary Breast and Ovarian Cancer. At-least one co-occurrence with another pathogenic variant(s) has been reported in the UMD database (BRCA2 c.7115C>G, p.Ser2372X), providing supporting evidence for a benign role. Multiple publications report experimental evidence evaluating an impact on protein function. These results showed no damaging effect of this variant on homology directed repair (HDR) assays (example, Hart_2019, Richardson_2021) and in mouse embryonic stem cell-based functional assays that examined the ability to rescue the lethality of Brca2 null mESC as well as sensitivity to six DNA damaging agents including ionizing radiation and a PARP inhibitor (example, Biswas_2020). HDR assays qualify as a recognized gold standard on the basis of updated guidance provided by the ClinGen Sequence Variant Interpretation (SVI) working group. This working group has recommended strong functional evidence (ACMG BS3) as sufficient weightage for categorization as likely benign (Tavtigian_2018). These findings are supported by a multifactorial probability model that reports a likely benign outcome (example, Parsons_2019). Ten clinical diagnostic laboratories have submitted clinical-significance assessments for this variant to ClinVar after 2014 without evidence for independent evaluation. Multiple laboratories reported the variant with conflicting assessments but with a predominant consensus as benign/likely benign (n=7) versus VUS (n=3). Based on the evidence outlined above, the variant was classified as benign.

Ambry Genetics
Classification: Benign for Hereditary cancer-predisposing syndrome. Last evaluated: 2020-03-19. Review status: criteria provided, single submitter. Criteria: Ambry Variant Classification Scheme 2023. Collection method: clinical testing. Allele origin: germline.

CeGaT Center for Human Genetics Tuebingen
Classification: Uncertain significance. Last evaluated: 2019-07-01. Review status: criteria provided, single submitter. Criteria: CeGaT Center For Human Genetics Tuebingen Variant Classification Criteria Version 2. Collection method: clinical testing. Allele origin: germline. Affected: yes. Observed: 3 variant alleles.

Quest Diagnostics Nichols Institute San Juan Capistrano
Classification: Likely benign. Last evaluated: 2019-03-11. Review status: criteria provided, single submitter. Criteria: Quest Diagnostics criteria. Collection method: clinical testing. Allele origin: germline.

GeneDx
Classification: Likely benign. Last evaluated: 2019-01-18. Review status: criteria provided, single submitter. Criteria: GeneDx Variant Classification Process June 2021. Collection method: clinical testing. Allele origin: germline. Affected: yes.
Comment: This variant is associated with the following publications: (PMID: 19043619, 18824701, 22476429, 27741520, 29884841)

Department of Pathology and Molecular Medicine, Queen's University
Classification: Uncertain significance. Last evaluated: 2017-04-20. Review status: criteria provided, single submitter. Criteria: ACMG Guidelines, 2015. Collection method: clinical testing. Allele origin: germline. Study: The Canadian Open Genetics Repository (COGR).

Color Diagnostics, LLC DBA Color Health
Classification: Likely benign for Hereditary cancer-predisposing syndrome. Last evaluated: 2017-04-13. Review status: criteria provided, single submitter. Criteria: ACMG Guidelines, 2015. Collection method: clinical testing. Allele origin: germline.

Mayo Clinic Laboratories, Mayo Clinic
Classification: Likely benign. Last evaluated: 2018-02-09. Review status: no assertion criteria provided. Collection method: clinical testing. Allele origin: unknown. Not counted in ClinVar's aggregate classification.

Counsyl
Classification: Uncertain significance for Breast-ovarian cancer, familial, susceptibility to, 2. Last evaluated: 2015-12-10. Review status: no assertion criteria provided. Collection method: clinical testing. Allele origin: unknown. Not counted in ClinVar's aggregate classification.

Sharing Clinical Reports Project (SCRP)
Classification: Benign for Breast-ovarian cancer, familial 2. Last evaluated: 2012-05-01. Review status: no assertion criteria provided. Collection method: clinical testing. Allele origin: germline. Not counted in ClinVar's aggregate classification.

Breast Cancer Information Core (BIC) (BRCA2)
Classification: Uncertain significance for Breast-ovarian cancer, familial 2. Last evaluated: 2004-02-20. Review status: no assertion criteria provided. Collection method: clinical testing. Allele origin: germline. Affected: yes. Observed: 4 variant alleles. Not counted in ClinVar's aggregate classification.

Department of Pathology and Laboratory Medicine, Sinai Health System
Classification: Likely benign for Breast-ovarian cancer, familial, susceptibility to, 2. Review status: no assertion criteria provided. Collection method: clinical testing. Allele origin: unknown. Affected: yes. Study: The Canadian Open Genetics Repository (COGR). Not counted in ClinVar's aggregate classification.
Comment: The BRCA2 p.Ser2483Asn variant was identified in 1 of 698 proband chromosomes (frequency: 0.001) from individuals or families with breast cancer and identified in 4 family members (Fernandes 2016). The variant was also identified in dbSNP (ID: rs80358967) as "With other allele", ClinVar (classified as benign by SCRP; as likely benign by Invitae, Ambry Genetics, GeneDx and three other submitters; as uncertain significance by four submitters), COGR, MutDB, LOVD 3.0 (6x), UMD-LSDB (4x as unclassified variant), and in BIC Database (4x with unknown significance). In UMD the variant was identified with a co-occurring pathogenic BRCA2 variant (c.7115C>G, p.Ser2372X), increasing the likelihood that the p.Ser2483Asn variant does not have clinical significance. The variant was not identified in Cosmic, ARUP Laboratories, or Zhejiang University databases. The variant was identified in control databases in 5 of 246090 chromosomes at a frequency of 0.00002 (Genome Aggregation Database Feb 27, 2017). The variant was observed in the European population in 5 of 111588 chromosomes (freq: 0.000045), while the variant was not observed in the African, Other, Latino, Ashkenazi Jewish, East Asian, Finnish, or South Asian populations. The p.Ser2483 residue is not conserved in mammals and computational analyses (PolyPhen-2, SIFT, AlignGVGD, BLOSUM, MutationTaster) do not suggest a high likelihood of impact to the protein; however, this information is not predictive enough to rule out pathogenicity. The variant occurs outside of the splicing consensus sequence and 2 of 4 in silico or computational prediction software programs (SpliceSiteFinder, MaxEntScan, NNSPLICE, GeneSplicer,) predict a greater than 10% difference in splicing; this is not very predictive of pathogenicity. In addition, the p.Ser2483Asn variant was identified in the literature in two reports that use various prediction models to try to determine the clinical significance of this variant. Both reports imply that the variant is predicted neutral (Karchin 2008, Spearman 2008). In summary, based on the above information the clinical significance of this variant cannot be determined with certainty at this time although we would lean towards a more benign role for this variant. This variant is classified as likely benign.

Literature cited by the submitters: PubMed 18824701 (cited by 3 submitters); PubMed 19043619 (cited by 3 submitters); PubMed 22476429 (cited by Women's Health and Genetics/Laboratory Corporation of America, LabCorp and Counsyl); PubMed 27741520 (cited by 3 submitters); PubMed 21621601 (cited by Women's Health and Genetics/Laboratory Corporation of America, LabCorp); PubMed 29884841 (cited by Women's Health and Genetics/Laboratory Corporation of America, LabCorp and Quest Diagnostics Nichols Institute San Juan Capistrano); PubMed 31131967 (cited by Women's Health and Genetics/Laboratory Corporation of America, LabCorp); PubMed 30055349 (cited by Women's Health and Genetics/Laboratory Corporation of America, LabCorp); PubMed 33609447 (cited by Women's Health and Genetics/Laboratory Corporation of America, LabCorp); PubMed 33293522 (cited by Women's Health and Genetics/Laboratory Corporation of America, LabCorp).